The following is an entry in ClinVar:

NM_030777.4(SLC2A10):c.*32T>C

Gene: SLC2A10 (solute carrier family 2 member 10; plus strand). Cytogenetic location: 20q13.12.
Variant type: single nucleotide variant.
Coding change: c.*32T>C on transcript NM_030777.4 (MANE Select); 32 bases downstream of the stop codon, T replaced by C.
Molecular consequence: 3 prime UTR variant.
Genome position (GRCh38, 1-based): chr20:46,733,866, T>C. VCF-style: chr20-46733866-T-C. GRCh37 (hg19) VCF-style: chr20-45362505-T-C.
Identifiers: ClinVar variation 899055 (VCV000899055.6), dbSNP rs78864327, ClinGen allele CA9892288.
Genomic context (GRCh38, chr20:46,733,866, plus strand): 5'-GCCGCATCGAGATCTCTGCGGCCTCCTGAGGAATCCGTCTGCCTGGAAATTCTGGAACTG[T>C]GGCTTTGGCAGACCATCTCCAGCATCCTGCTTCCTAGGCCCCAGAGCACAAGTTCCAGCT-3'

ClinVar aggregate classification (germline): Benign/Likely benign. Review status: criteria provided, multiple submitters, no conflicts (2 of 4 stars). 2 submissions from 2 submitters: Benign (1); Likely benign (1). Last evaluated 2018-06-16.

Conditions:
Arterial tortuosity syndrome (ATORS). Identifiers: Orphanet 3342, MedGen C1859726, MONDO:0008818, OMIM 208050.

Allele frequency attached by ClinVar (database versions not stated): gnomAD exomes 0.00070 and 0.00189; ExAC 0.00232; gnomAD 0.00696 and 0.00746; 1000 Genomes Project 30x 0.00750; TOPMed 0.00764; 1000 Genomes Project 0.00779; ESP Exome Variant Server 0.00861.
gnomAD v4.1: 2,149 of 1,604,908 alleles (0.13%); highest among the groups gnomAD compares: African/African-American, 2.5%; 30 homozygotes.

Submissions (2):

GeneDx
Classification: Likely benign. Last evaluated: 2018-06-16. Review status: criteria provided, single submitter. Criteria: GeneDx Variant Classification Process June 2021. Collection method: clinical testing. Allele origin: germline. Affected: yes.

Illumina Laboratory Services, Illumina
Classification: Benign for Arterial tortuosity syndrome. Last evaluated: 2018-01-13. Review status: criteria provided, single submitter. Criteria: ICSL Variant Classification Criteria 13 December 2019. Collection method: clinical testing. Allele origin: germline.
Comment: This variant was observed in the ICSL laboratory as part of a predisposition screen in an ostensibly healthy population. It had not been previously curated by ICSL or reported in the Human Gene Mutation Database (HGMD: prior to June 1st, 2018), and was therefore a candidate for classification through an automated scoring system. Utilizing variant allele frequency, disease prevalence and penetrance estimates, and inheritance mode, an automated score was calculated to assess if this variant is too frequent to cause the disease. Based on the score and internal cut-off values, a variant classified as benign is not then subjected to further curation. The score for this variant resulted in a classification of benign for this disease.